The following is an entry in ClinVar:

NM_016492.5(RANGRF):c.175C>G (p.Arg59Gly)

Genes: RANGRF (RAN guanine nucleotide release factor; plus strand), SLC25A35 (solute carrier family 25 member 35; minus strand). Cytogenetic location: 17p13.1.
Variant type: single nucleotide variant.
Coding change: c.175C>G on transcript NM_016492.5 (MANE Select); coding-DNA position 175, C replaced by G.
Protein change: p.Arg59Gly; replaces arginine 59 with glycine.
Molecular consequence: missense variant. On other transcripts: 3 prime UTR variant (2), non-coding transcript variant (2), intron variant (1).
Genome position (GRCh38, 1-based): chr17:8,289,053, C>G. VCF-style: chr17-8289053-C-G. GRCh37 (hg19) VCF-style: chr17-8192371-C-G.
Other names: c.175C>G, p.Arg59Gly (NM_001177801.2, NM_001177802.2, NM_001330127.2); c.*430G>C (NM_001320872.2); c.*563G>C (NM_201520.3); c.*42+521G>C (NM_001320871.2); short protein forms R59G.
Identifiers: ClinVar variation 3707734 (VCV003707734.2).
Genomic context (GRCh38, chr17:8,289,053, plus strand): 5'-TGCCATCCCGTGACGGACCAGAGCCTGATAGTGGAACTTCTCGAGCTGCAGGCCCACGTA[C>G]GGGGCGAAGCGGCTGCGCGGTGAGGGAATGGCCCCCGGCTGGCCAATGGCAGGGGCGGGG-3'
Protein context (NP_057576.2, residues 49-69): VELLELQAHV[Arg59Gly]GEAAARYHFE

ClinVar aggregate classification (germline): Uncertain significance (1 of 4 stars; one submission).

Conditions:
Cardiac arrhythmia. Also called: Cardiac rhythm disease; Arrhythmia. Identifiers: MedGen C0003811, MONDO:0007263, HP:0011675.

gnomAD v4.1: 8 of 1,613,664 alleles (0.0005%); highest among the groups gnomAD compares: Non-Finnish European, 0.00068%; no homozygotes.

Submission:

Labcorp Genetics (formerly Invitae), Labcorp
Classification: Uncertain significance for Cardiac arrhythmia. Last evaluated: 2024-03-11. Review status: criteria provided, single submitter. Criteria: Invitae Variant Classification Sherloc (09022015). Collection method: clinical testing. Allele origin: germline.
Comment: This sequence change replaces arginine, which is basic and polar, with glycine, which is neutral and non-polar, at codon 59 of the RANGRF protein (p.Arg59Gly). This variant is present in population databases (no rsID available, gnomAD 0.002%). This variant has not been reported in the literature in individuals affected with RANGRF-related conditions. An algorithm developed to predict the effect of missense changes on protein structure and function (PolyPhen-2) suggests that this variant is likely to be tolerated. In summary, the available evidence is currently insufficient to determine the role of this variant in disease. Therefore, it has been classified as a Variant of Uncertain Significance.